The following is an entry in ClinVar:

ClinVar aggregate classification (germline): Pathogenic (1 of 4 stars; one submission).

Conditions:
Primary ciliary dyskinesia. Also called: Ciliary dyskinesia. Identifiers: Orphanet 244, MedGen C0008780, MONDO:0016575, HP:0012265.

Submission:

Labcorp Genetics (formerly Invitae), Labcorp
Classification: Pathogenic for Primary ciliary dyskinesia. Last evaluated: 2023-02-08. Review status: criteria provided, single submitter. Criteria: Invitae Variant Classification Sherloc (09022015). Collection method: clinical testing. Allele origin: germline.
Comment: This sequence change creates a premature translational stop signal (p.Gln531*) in the DNAI1 gene. It is expected to result in an absent or disrupted protein product. Loss-of-function variants in DNAI1 are known to be pathogenic (PMID: 16858015, 29363216). This variant is not present in population databases (gnomAD no frequency). This variant has not been reported in the literature in individuals affected with DNAI1-related conditions. For these reasons, this variant has been classified as Pathogenic.

Literature cited by the submitters: PubMed 16858015; PubMed 29363216.

NM_012144.4(DNAI1):c.1591C>T (p.Gln531Ter)

Gene: DNAI1 (dynein axonemal intermediate chain 1; plus strand). Cytogenetic location: 9p13.3.
Variant type: single nucleotide variant.
Coding change: c.1591C>T on transcript NM_012144.4 (MANE Select); coding-DNA position 1591, C replaced by T.
Protein change: p.Gln531Ter; replaces glutamine 531 with a stop codon.
Molecular consequence: nonsense.
Genome position (GRCh38, 1-based): chr9:34,514,415, C>T. VCF-style: chr9-34514415-C-T. GRCh37 (hg19) VCF-style: chr9-34514413-C-T.
Other names: c.1603C>T, p.Gln535Ter (NM_001281428.2); short protein forms Q531*, Q535*.
Identifiers: ClinVar variation 2835355 (VCV002835355.3), dbSNP rs2492126192, ClinGen allele CA373263121.